The following is an entry in ClinVar:

NM_001130009.3(GEN1):c.1712A>T (p.Asn571Ile)

Gene: GEN1 (GEN1 structure-specific endonuclease; plus strand). Cytogenetic location: 2p24.2.
Variant type: single nucleotide variant.
Coding change: c.1712A>T on transcript NM_001130009.3 (MANE Select); coding-DNA position 1712, A replaced by T.
Protein change: p.Asn571Ile; replaces asparagine 571 with isoleucine.
Molecular consequence: missense variant.
Genome position (GRCh38, 1-based): chr2:17,780,924, A>T. VCF-style: chr2-17780924-A-T. GRCh37 (hg19) VCF-style: chr2-17962191-A-T.
Other names: c.1712A>T (NM_001130009.1); c.1712A>T, p.Asn571Ile (NM_182625.5); short protein forms N571I.
Identifiers: ClinVar variation 3713493 (VCV003713493.3).

ClinVar aggregate classification (germline): Uncertain significance. Review status: criteria provided, multiple submitters, no conflicts (2 of 4 stars). 2 submissions from 2 submitters: Uncertain significance (2). Last evaluated 2025-04-14.

Submissions (2):

Ambry Genetics
Classification: Uncertain significance. Last evaluated: 2025-04-14. Review status: criteria provided, single submitter. Criteria: Ambry Variant Classification Scheme 2023. Collection method: clinical testing. Allele origin: germline.
Comment: The p.N571I variant (also known as c.1712A>T), located in coding exon 13 of the GEN1 gene, results from an A to T substitution at nucleotide position 1712. The asparagine at codon 571 is replaced by isoleucine, an amino acid with dissimilar properties. This amino acid position is conserved. In addition, this alteration is predicted to be tolerated by in silico analysis. Based on the available evidence, the clinical significance of this variant remains unclear.

Labcorp Genetics (formerly Invitae), Labcorp
Classification: Uncertain significance. Last evaluated: 2024-03-25. Review status: criteria provided, single submitter. Criteria: Invitae Variant Classification Sherloc (09022015). Collection method: clinical testing. Allele origin: germline.
Comment: This sequence change replaces asparagine, which is neutral and polar, with isoleucine, which is neutral and non-polar, at codon 571 of the GEN1 protein (p.Asn571Ile). This variant is not present in population databases (gnomAD no frequency). This variant has not been reported in the literature in individuals affected with GEN1-related conditions. An algorithm developed to predict the effect of missense changes on protein structure and function (PolyPhen-2) suggests that this variant is likely to be tolerated. In summary, the available evidence is currently insufficient to determine the role of this variant in disease. Therefore, it has been classified as a Variant of Uncertain Significance.